The following is an entry in ClinVar:

ClinVar aggregate classification (germline): Uncertain significance. Review status: criteria provided, multiple submitters, no conflicts (2 of 4 stars). 2 submissions from 2 submitters: Uncertain significance (2). Last evaluated 2024-08-25.

Conditions:
Tuberous sclerosis 2 (TSC2). Identifiers: Orphanet 805, MedGen C1860707, MONDO:0013199, OMIM 613254.
Hereditary cancer-predisposing syndrome. Also called: Hereditary neoplastic syndrome; Tumor predisposition; Neoplastic Syndromes, Hereditary; Hereditary Cancer Syndrome. Identifiers: Orphanet 140162, MedGen C0027672, MeSH D009386, MONDO:0015356.

Submissions (2):

Ambry Genetics
Classification: Uncertain significance for Hereditary cancer-predisposing syndrome. Last evaluated: 2024-08-25. Review status: criteria provided, single submitter. Criteria: Ambry Variant Classification Scheme 2023. Collection method: clinical testing. Allele origin: germline.
Comment: The p.I1359F variant (also known as c.4075A>T), located in coding exon 33 of the TSC2 gene, results from an A to T substitution at nucleotide position 4075. The isoleucine at codon 1359 is replaced by phenylalanine, an amino acid with highly similar properties. This amino acid position is conserved. In addition, this alteration is predicted to be deleterious by in silico analysis. Based on the available evidence, the clinical significance of this variant remains unclear.

Labcorp Genetics (formerly Invitae), Labcorp
Classification: Uncertain significance for Tuberous sclerosis 2. Last evaluated: 2021-03-10. Review status: criteria provided, single submitter. Criteria: Invitae Variant Classification Sherloc (09022015). Collection method: clinical testing. Allele origin: germline.
Comment: This sequence change replaces isoleucine with phenylalanine at codon 1359 of the TSC2 protein (p.Ile1359Phe). The isoleucine residue is highly conserved and there is a small physicochemical difference between isoleucine and phenylalanine. This variant is not present in population databases (ExAC no frequency). This variant has not been reported in the literature in individuals with TSC2-related conditions. Advanced modeling of protein sequence and biophysical properties (such as structural, functional, and spatial information, amino acid conservation, physicochemical variation, residue mobility, and thermodynamic stability) performed at Invitae indicates that this missense variant is not expected to disrupt TSC2 protein function. In summary, the available evidence is currently insufficient to determine the role of this variant in disease. Therefore, it has been classified as a Variant of Uncertain Significance.

NM_000548.5(TSC2):c.4075A>T (p.Ile1359Phe)

Gene: TSC2 (TSC complex subunit 2; plus strand). Cytogenetic location: 16p13.3.
Variant type: single nucleotide variant.
Coding change: c.4075A>T on transcript NM_000548.5 (MANE Select); coding-DNA position 4075, A replaced by T.
Protein change: p.Ile1359Phe; replaces isoleucine 1359 with phenylalanine.
Molecular consequence: missense variant.
Genome position (GRCh38, 1-based): chr16:2,084,297, A>T. VCF-style: chr16-2084297-A-T. GRCh37 (hg19) VCF-style: chr16-2134298-A-T.
Other names: c.3874A>T, p.Ile1292Phe (NM_001077183.3); c.4006A>T, p.Ile1336Phe (NM_001114382.3); c.3766A>T, p.Ile1256Phe (NM_001318827.2); c.3730A>T, p.Ile1244Phe (NM_001318829.2); c.3343A>T, p.Ile1115Phe (NM_001318831.2); c.3907A>T, p.Ile1303Phe (NM_001318832.2); c.3877A>T, p.Ile1293Phe (NM_001363528.2); c.3943A>T, p.Ile1315Phe (NM_001370404.1); and 2 more; short protein forms I1256F, I1292F, I1303F, I1244F, I1293F, I1315F, I1316F, I1359F.
Identifiers: ClinVar variation 1475915 (VCV001475915.9), dbSNP rs2151522243, ClinGen allele CA394299416.